The following is an entry in ClinVar:

ClinVar aggregate classification (germline): Likely benign (1 of 4 stars; one submission).

Submission:

Laboratory for Molecular Medicine, Mass General Brigham Personalized Medicine
Classification: Likely benign. Last evaluated: 2012-10-03. Review status: criteria provided, single submitter. Criteria: LMM Criteria. Collection method: clinical testing. Allele origin: germline. Observed: 1 variant allele.
Comment: Thr15052Thr in exon 225 of TTN: This variant is not expected to have clinical si gnificance because it does not alter an amino acid residue and is not located wi thin the splice consensus sequence. Thr15052Thr in exon 225 of TTN (allele fre quency = n/a)

NM_001267550.2(TTN):c.52860A>G (p.Thr17620=)

Genes: TTN (titin; minus strand), TTN-AS1 (TTN antisense RNA 1; plus strand), LOC126806425 (BRD4-independent group 4 enhancer GRCh37_chr2:179471933-179473132; plus strand). Cytogenetic location: 2q31.2.
Variant type: single nucleotide variant.
Coding change: c.52860A>G on transcript NM_001267550.2 (MANE Select); coding-DNA position 52860, A replaced by G.
Protein change: p.Thr17620=; no amino-acid change (threonine 17620 retained).
Molecular consequence: synonymous variant.
Genome position (GRCh38, 1-based): chr2:178,607,927, T>C on the plus strand (A>G on the coding strand, the complement: TTN is on the minus strand). VCF-style: chr2-178607927-T-C. GRCh37 (hg19) VCF-style: chr2-179472654-T-C.
Other names: c.45156A>G, p.Thr15052= (NM_133378.4); c.47937A>G, p.Thr15979= (NM_001256850.1); c.25665A>G, p.Thr8555= (NM_003319.4); c.26040A>G, p.Thr8680= (NM_133432.3); c.26241A>G, p.Thr8747= (NM_133437.4).
Identifiers: ClinVar variation 47067 (VCV000047067.5), dbSNP rs397517611, ClinGen allele CA139908.